The following is an entry in ClinVar:

NM_000229.2(LCAT):c.325C>T (p.Arg109Trp)

Gene: LCAT (lecithin-cholesterol acyltransferase; minus strand). Cytogenetic location: 16q22.1.
Variant type: single nucleotide variant.
Coding change: c.325C>T on transcript NM_000229.2 (MANE Select); coding-DNA position 325, C replaced by T.
Protein change: p.Arg109Trp; replaces arginine 109 with tryptophan.
Molecular consequence: missense variant.
Genome position (GRCh38, 1-based): chr16:67,942,963, G>A on the plus strand (C>T on the coding strand, the complement: LCAT is on the minus strand). VCF-style: chr16-67942963-G-A. GRCh37 (hg19) VCF-style: chr16-67976866-G-A.
Other names: short protein forms R109W.
Identifiers: ClinVar variation 1959124 (VCV001959124.5), dbSNP rs751636804, ClinGen allele CA8121110.

ClinVar aggregate classification (germline): Uncertain significance (1 of 4 stars; one submission).

Allele frequency attached by ClinVar (database versions not stated): gnomAD exomes below 0.00001; ExAC 0.00001; gnomAD 0.00001.
gnomAD v4.1: 5 of 1,613,740 alleles (0.00031%); highest among the groups gnomAD compares: South Asian, 0.0022%; no homozygotes.

Submission:

Labcorp Genetics (formerly Invitae), Labcorp
Classification: Uncertain significance. Last evaluated: 2022-06-20. Review status: criteria provided, single submitter. Criteria: Invitae Variant Classification Sherloc (09022015). Collection method: clinical testing. Allele origin: germline.
Comment: In summary, the available evidence is currently insufficient to determine the role of this variant in disease. Therefore, it has been classified as a Variant of Uncertain Significance. Algorithms developed to predict the effect of missense changes on protein structure and function are either unavailable or do not agree on the potential impact of this missense change (SIFT: "Deleterious"; PolyPhen-2: "Possibly Damaging"; Align-GVGD: "Class C0"). This variant has not been reported in the literature in individuals affected with LCAT-related conditions. This variant is present in population databases (rs751636804, gnomAD 0.002%). This sequence change replaces arginine, which is basic and polar, with tryptophan, which is neutral and slightly polar, at codon 109 of the LCAT protein (p.Arg109Trp).